The following is an entry in ClinVar:

ClinVar aggregate classification (germline): Uncertain significance (1 of 4 stars; one submission).

Submission:

GeneDx
Classification: Uncertain significance. Last evaluated: 2024-09-04. Review status: criteria provided, single submitter. Criteria: GeneDx Variant Classification Process June 2021. Collection method: clinical testing. Allele origin: germline.
Comment: In-frame deletion and insertion of 3 amino acids in a non-repeat region; Not observed at significant frequency in large population cohorts (gnomAD); Has not been previously published as pathogenic or benign to our knowledge; In silico analysis indicates that this variant does not alter protein structure/function

NM_004304.5(ALK):c.44_49delinsACACGA (p.Ser15_Ala17delinsTyrThrThr)

Gene: ALK (ALK receptor tyrosine kinase; minus strand). Cytogenetic location: 2p23.1.
Variant type: Indel.
Coding change: c.44_49delinsACACGA on transcript NM_004304.5 (MANE Select); coding-DNA positions 44 to 49, CCACGG replaced by ACACGA.
Protein change: p.Ser15_Ala17delinsTyrThrThr.
Molecular consequence: missense variant.
Genome position (GRCh38, 1-based): chr2:29,920,611-29,920,616, CCGTGG replaced by TCGTGT on the plus strand (CCACGG replaced by ACACGA on the coding strand, the reverse complement: ALK is on the minus strand). VCF-style: chr2-29920611-CCGTGG-TCGTGT. GRCh37 (hg19) VCF-style: chr2-30143477-CCGTGG-TCGTGT.
Identifiers: ClinVar variation 2577561 (VCV002577561.2), dbSNP rs2465867989, ClinGen allele CA2580617418.